The following is an entry in ClinVar:

ClinVar aggregate classification (germline): Pathogenic/Likely pathogenic. Review status: criteria provided, multiple submitters, no conflicts (2 of 4 stars). 5 submissions from 5 submitters: Pathogenic (2); Likely pathogenic (3). Last evaluated 2024-03-28.

Conditions:
Pontoneocerebellar hypoplasia. Also called: Pontocerebellar hypoplasia; Non-syndromic pontocerebellar hypoplasia. Identifiers: Orphanet 98523, MedGen C1261175, MONDO:0020135.
Pontocerebellar hypoplasia type 6 (PCH6). Identifiers: Orphanet 166073, MedGen C1969084, MONDO:0012683, OMIM 611523.

Submissions (5):

Natera, Inc.
Classification: Likely pathogenic for Pontocerebellar hypoplasia, type 6. Last evaluated: 2024-03-28. Review status: criteria provided, single submitter. Criteria: Natera Variant Classification Schema (03/2026). Collection method: clinical testing. Allele origin: germline.
Comment: The c.633_636delAGAA variant in RARS2 is a frameshift variant predicted to shift the reading frame beginning at codon 212 and leads to a stop codon 7 codons downstream. This variant may result in a truncated or dysfunctional protein product. This variant is rare in the general population with a frequency below the threshold expected for the associated phenotype(s). Given the available evidence, this variant is classified as Likely Pathogenic.

Baylor Genetics
Classification: Likely pathogenic for Pontocerebellar hypoplasia type 6. Last evaluated: 2024-02-11. Review status: criteria provided, single submitter. Criteria: ACMG Guidelines, 2015. Collection method: clinical testing. Allele origin: unknown.

Labcorp Genetics (formerly Invitae), Labcorp
Classification: Pathogenic. Last evaluated: 2023-11-29. Review status: criteria provided, single submitter. Criteria: Invitae Variant Classification Sherloc (09022015). Collection method: clinical testing. Allele origin: germline.
Comment: This sequence change creates a premature translational stop signal (p.Glu212Glnfs*7) in the RARS2 gene. It is expected to result in an absent or disrupted protein product. Loss-of-function variants in RARS2 are known to be pathogenic (PMID: 17847012, 22569581, 26083569). This variant is present in population databases (rs755936301, gnomAD 0.01%). This variant has not been reported in the literature in individuals affected with RARS2-related conditions. ClinVar contains an entry for this variant (Variation ID: 951758). For these reasons, this variant has been classified as Pathogenic.

Women's Health and Genetics/Laboratory Corporation of America, LabCorp
Classification: Likely pathogenic for Pontoneocerebellar hypoplasia. Last evaluated: 2022-11-25. Review status: criteria provided, single submitter. Criteria: LabCorp Variant Classification Summary - May 2015. Collection method: clinical testing. Allele origin: germline.
Comment: Variant summary: RARS2 c.633_636delAGAA (p.Glu212GlnfsX7) results in a premature termination codon, predicted to cause a truncation of the encoded protein or absence of the protein due to nonsense mediated decay, which are commonly known mechanisms for disease. Truncations downstream of this position have been classified as pathogenic in ClinVar. The variant allele was found at a frequency of 4e-06 in 251428 control chromosomes (gnomAD). c.633_636delAGAA has been reported in the literature in at-least one individual affected with RARS2 deficiency (example; Balushi_2019). One clinical diagnostic laboratory has submitted clinical-significance assessments for this variant to ClinVar after 2014 and classified the variant as pathogenic. Based on the evidence outlined above, the variant was classified as likely pathogenic.

Kariminejad - Najmabadi Pathology & Genetics Center
Classification: Pathogenic for Pontocerebellar hypoplasia type 6. Review status: criteria provided, single submitter. Criteria: ACMG Guidelines, 2015. Collection method: clinical testing. Allele origin: germline. Affected: no.

Literature cited by the submitters: PubMed 17847012 (cited by Labcorp Genetics (formerly Invitae), Labcorp); PubMed 22569581 (cited by Labcorp Genetics (formerly Invitae), Labcorp); PubMed 26083569 (cited by Labcorp Genetics (formerly Invitae), Labcorp); PubMed 32071833 (cited by Women's Health and Genetics/Laboratory Corporation of America, LabCorp).

NM_020320.5(RARS2):c.633_636del (p.Glu212fs)

Gene: RARS2 (arginyl-tRNA synthetase 2, mitochondrial; minus strand). Cytogenetic location: 6q15.
Variant type: Deletion.
Coding change: c.633_636del on transcript NM_020320.5 (MANE Select); coding-DNA positions 633 to 636, 4 bases deleted (AGAA; older notation c.633_636delAGAA).
Protein change: p.Glu212fs; shifts the reading frame from glutamic acid 212.
Molecular consequence: frameshift variant. On other transcripts: non-coding transcript variant (23).
Genome position (GRCh38, 1-based): chr6:87,530,919-87,530,922, TTCT deleted on the plus strand (AGAA on the coding strand, the reverse complement: RARS2 is on the minus strand); deleting any 4 consecutive bases within chr6:87,530,919-87,530,924 gives the same sequence; the c. name uses the placement nearest the transcript's 3' end. VCF-style (leftmost placement, unchanged base first): chr6-87530918-CTTCT-C. GRCh37 (hg19) VCF-style: chr6-88240636-CTTCT-C.
Other names: c.108_111del, p.Glu37fs (NM_001318785.2, NM_001350506.2, NM_001350507.2 and 4 more transcripts); c.633_636del, p.Glu212fs (NM_001350505.2); short protein forms E212fs, E37fs.
Identifiers: ClinVar variation 951758 (VCV000951758.12), dbSNP rs755936301, ClinGen allele CA3916559.